The following is an entry in ClinVar:

ClinVar aggregate classification (germline): Uncertain significance (1 of 4 stars; one submission).

Submission:

GeneDx
Classification: Uncertain significance. Last evaluated: 2026-04-09. Review status: criteria provided, single submitter. Criteria: GeneDx Variant Classification Process June 2021. Collection method: clinical testing. Allele origin: germline.
Comment: Not observed at significant frequency in large population cohorts (gnomAD); In silico analysis suggests that this missense variant does not alter protein structure/function; Has not been previously published as pathogenic or benign to our knowledge

NM_001394998.1(TANC2):c.929C>T (p.Thr310Ile)

Gene: TANC2 (tetratricopeptide repeat, ankyrin repeat and coiled-coil containing 2; plus strand). Cytogenetic location: 17q23.3.
Variant type: single nucleotide variant.
Coding change: c.929C>T on transcript NM_001394998.1 (MANE Select); coding-DNA position 929, C replaced by T.
Protein change: p.Thr310Ile; replaces threonine 310 with isoleucine.
Molecular consequence: missense variant.
Genome position (GRCh38, 1-based): chr17:63,237,973, C>T. VCF-style: chr17-63237973-C-T. GRCh37 (hg19) VCF-style: chr17-61315334-C-T.
Other names: c.707C>T, p.Thr236Ile (NM_001411076.1, NM_025185.4); short protein forms T236I, T310I.
Identifiers: ClinVar variation 5018391 (VCV005018391.1).
Genomic context (GRCh38, chr17:63,237,973, plus strand): 5'-CTCAAAAATCCAGCATGGACTCCTGTTTGTATCGAGTAGATGAAAACATGACTGCTTCCA[C>T]CTATAGTCTGAATAAGATCCCAGAGAGAAATTTGGAAACAGTGTTATCTCAATCAGTACA-3'
Protein context (NP_001381927.1, residues 300-320): YRVDENMTAS[Thr310Ile]YSLNKIPERN